The following is an entry in ClinVar:

NM_001166108.2(PALLD):c.1965-12882T>G

Gene: PALLD (palladin, cytoskeletal associated protein; plus strand). Cytogenetic location: 4q32.3.
Variant type: single nucleotide variant.
Coding change: c.1965-12882T>G on transcript NM_001166108.2 (MANE Select); 12882 bases into the intron before coding-DNA position 1965, T replaced by G.
Molecular consequence: intron variant. On other transcripts: missense variant (1).
Genome position (GRCh38, 1-based): chr4:168,878,040, T>G. VCF-style: chr4-168878040-T-G. GRCh37 (hg19) VCF-style: chr4-169799191-T-G.
Other names: c.149T>G, p.Leu50Arg (NM_001166110.2); c.1965-12882T>G (NM_016081.4); c.819-12882T>G (NM_001166109.2); c.-157-12882T>G (NM_001367570.1, NM_001367568.1, NM_001367567.1 and 1 more transcripts); short protein forms L50R.
Identifiers: ClinVar variation 4564144 (VCV004564144.1).

ClinVar aggregate classification (germline): Uncertain significance (1 of 4 stars; one submission).

Submission:

Ambry Genetics
Classification: Uncertain significance. Last evaluated: 2025-09-25. Review status: criteria provided, single submitter. Criteria: Ambry Variant Classification Scheme 2023. Collection method: clinical testing. Allele origin: germline.
Comment: The p.L50R variant (also known as c.149T>G), located in coding exon 1 of the PALLD gene, results from a T to G substitution at nucleotide position 149. The leucine at codon 50 is replaced by arginine, an amino acid with dissimilar properties. This amino acid position is conserved. In addition, the in silico prediction for this alteration is inconclusive. Based on the available evidence, the clinical significance of this variant remains unclear.